The following is an entry in ClinVar:

NM_007215.4(POLG2):c.463G>T (p.Glu155Ter)

Genes: MILR1 (mast cell immunoglobulin like receptor 1; plus strand), POLG2 (DNA polymerase gamma 2, accessory subunit; minus strand). Cytogenetic location: 17q23.3.
Variant type: single nucleotide variant.
Coding change: c.463G>T on transcript NM_007215.4 (MANE Select); coding-DNA position 463, G replaced by T.
Protein change: p.Glu155Ter; replaces glutamic acid 155 with a stop codon.
Molecular consequence: nonsense.
Genome position (GRCh38, 1-based): chr17:64,496,506, C>A on the plus strand (G>T on the coding strand, the complement: POLG2 is on the minus strand). VCF-style: chr17-64496506-C-A. GRCh37 (hg19) VCF-style: chr17-62492624-C-A.
Other names: short protein forms E155*.
Identifiers: ClinVar variation 1371958 (VCV001371958.6), dbSNP rs533614940, ClinGen allele CA400640885.
Genomic context (GRCh38, chr17:64,496,506, plus strand): 5'-ATACGTTCTCAAGAAATGCTACTAGCTGTTCCTTACTCAGCTCTTTGTCTTGCAAGATTT[C>A]GCGTAGAGTTTCTGCAGAAACTAACCTGAAGGCACTGTCCCCGGGTAGCAAAGGGCCTGG-3'

ClinVar aggregate classification (germline): Pathogenic (1 of 4 stars; one submission).

Submission:

Labcorp Genetics (formerly Invitae), Labcorp
Classification: Pathogenic. Last evaluated: 2021-08-26. Review status: criteria provided, single submitter. Criteria: Invitae Variant Classification Sherloc (09022015). Collection method: clinical testing. Allele origin: germline.
Comment: This variant is not present in population databases (ExAC no frequency). For these reasons, this variant has been classified as Pathogenic. This variant has not been reported in the literature in individuals affected with POLG2-related conditions. This sequence change creates a premature translational stop signal (p.Glu155*) in the POLG2 gene. It is expected to result in an absent or disrupted protein product. Loss-of-function variants in POLG2 are known to be pathogenic (PMID: 28078310, 29625556).

Literature cited by the submitters: PubMed 28078310; PubMed 29625556.